The following is an entry in ClinVar:

NM_000426.4(LAMA2):c.5562+5G>A

Gene: LAMA2 (laminin subunit alpha 2; plus strand). Cytogenetic location: 6q22.33.
Variant type: single nucleotide variant.
Coding change: c.5562+5G>A on transcript NM_000426.4 (MANE Select); 5 bases into the intron after coding-DNA position 5562, G replaced by A.
Molecular consequence: intron variant.
Genome position (GRCh38, 1-based): chr6:129,401,345, G>A. VCF-style: chr6-129401345-G-A. GRCh37 (hg19) VCF-style: chr6-129722490-G-A.
Other names: c.5562+5G>A (NM_001079823.2).
Identifiers: ClinVar variation 968246 (VCV000968246.9), dbSNP rs771046502, ClinGen allele CA1139659331.

ClinVar aggregate classification (germline): Pathogenic. Review status: criteria provided, multiple submitters, no conflicts (2 of 4 stars). 2 submissions from 2 submitters: Pathogenic (2). Last evaluated 2025-05-07.

Conditions:
LAMA2-related muscular dystrophy (LAMA2-RD). Also called: Laminin alpha 2-related dystrophy. Identifiers: MedGen C5679788, MONDO:0100228.

Submissions (2):

Women's Health and Genetics/Laboratory Corporation of America, LabCorp
Classification: Pathogenic for LAMA2-related muscular dystrophy. Last evaluated: 2025-05-07. Review status: criteria provided, single submitter. Criteria: LabCorp Variant Classification Summary - May 2015. Collection method: clinical testing. Allele origin: germline.
Comment: Variant summary: LAMA2 c.5562+5G>A alters a conserved nucleotide located close to a canonical splice site and therefore could affect mRNA splicing, leading to a significantly altered protein sequence. Several computational tools predict a significant impact on normal splicing: Four predict the variant abolishes a 5' splicing donor site. At least one publication reports experimental evidence that this variant affects mRNA splicing in fibroblast cells from an individual affected with Congenital Muscular Dystrophy (Tezak_2003). The variant was absent in 1530258 control chromosomes. c.5562+5G>A has been observed in heterozygous genotype state in an individual affected with Laminin Alpha 2-Related Dystrophy with the second allele change undetected (Tezak_2003). This variant has also been observed in compound heterozygous state in individual(s) with LAMA2-related muscular dystrophy (Invitae internal data). These reports indicates that this variant is very likely to be associated with disease. The following publication have been ascertained in the context of this evaluation (PMID: 12552556). ClinVar contains an entry for this variant (Variation ID: 968246). Based on the evidence outlined above, the variant was classified as likely pathogenic.

Labcorp Genetics (formerly Invitae), Labcorp
Classification: Pathogenic for LAMA2-related muscular dystrophy. Last evaluated: 2024-12-02. Review status: criteria provided, single submitter. Criteria: Invitae Variant Classification Sherloc (09022015). Collection method: clinical testing. Allele origin: germline.
Comment: This sequence change falls in intron 38 of the LAMA2 gene. It does not directly change the encoded amino acid sequence of the LAMA2 protein. RNA analysis indicates that this variant induces altered splicing and likely results in a shortened protein product. This variant is not present in population databases (gnomAD no frequency). This variant has been observed in individual(s) with clinical features of LAMA2-related muscular dystrophy (PMID: 12552556; internal data). In at least one individual the data is consistent with being in trans (on the opposite chromosome) from a pathogenic variant. This variant is also known as IVS37+5G>A. ClinVar contains an entry for this variant (Variation ID: 968246). Variants that disrupt the consensus splice site are a relatively common cause of aberrant splicing (PMID: 17576681, 9536098). Studies have shown that this variant results in skipping of exon 38, but is expected to preserve the integrity of the reading-frame (PMID: 12552556). This variant disrupts the c.5562+5G nucleotide in the LAMA2 gene. Other variant(s) that disrupt this nucleotide have been determined to be pathogenic (PMID: 9536098, 10611118, 12552556, 17576681, 20207543). This suggests that this nucleotide is clinically significant, and that variants that disrupt this position are likely to be disease-causing. For these reasons, this variant has been classified as Pathogenic.

Literature cited by the submitters: PubMed 12552556 (cited by Women's Health and Genetics/Laboratory Corporation of America, LabCorp and Labcorp Genetics (formerly Invitae), Labcorp); PubMed 17576681 (cited by Labcorp Genetics (formerly Invitae), Labcorp); PubMed 9536098 (cited by Labcorp Genetics (formerly Invitae), Labcorp); PubMed 10611118 (cited by Labcorp Genetics (formerly Invitae), Labcorp); PubMed 20207543 (cited by Labcorp Genetics (formerly Invitae), Labcorp).